The following is an entry in ClinVar:

NM_000444.6(PHEX):c.254G>C (p.Cys85Ser)

Gene: PHEX (phosphate regulating endopeptidase X-linked; plus strand). Cytogenetic location: Xp22.11.
Variant type: single nucleotide variant.
Coding change: c.254G>C on transcript NM_000444.6 (MANE Select); coding-DNA position 254, G replaced by C.
Protein change: p.Cys85Ser; replaces cysteine 85 with serine.
Molecular consequence: missense variant.
Genome position (GRCh38, 1-based): chrX:22,047,116, G>C. VCF-style: chrX-22047116-G-C. GRCh37 (hg19) VCF-style: chrX-22065234-G-C.
Other names: c.254G>C, p.Cys85Ser (NM_001282754.2); short protein forms C85S.
Identifiers: ClinVar variation 803739 (VCV000803739.9), dbSNP rs137853269, ClinGen allele CA412567632.

ClinVar aggregate classification (germline): Pathogenic/Likely pathogenic. Review status: criteria provided, multiple submitters, no conflicts (2 of 4 stars). 3 submissions from 3 submitters: Pathogenic (1); Likely pathogenic (1). 1 of the submissions does not count toward it. Last evaluated 2023-12-06.

Conditions:
Childhood hypophosphatasia. Identifiers: Orphanet 247667, Orphanet 436, MedGen C0220743, MONDO:1010168, OMIM 241510, MONDO:0009428.
Familial X-linked hypophosphatemic vitamin D refractory rickets (XLHRD). Also called: X-Linked Hypophosphatemia; HYPOPHOSPHATEMIC VITAMIN D-RESISTANT RICKETS; Hypophosphatemic Rickets, X-Linked Dominant; Hypophosphatemia, vitamin D-resistant rickets; Vitamin D-resistant rickets, X-linked. Identifiers: Orphanet 89936, MedGen C0733682, MONDO:0010619, OMIM 307800.

Submissions (3):

Labcorp Genetics (formerly Invitae), Labcorp
Classification: Pathogenic. Last evaluated: 2023-12-06. Review status: criteria provided, single submitter. Criteria: Invitae Variant Classification Sherloc (09022015). Collection method: clinical testing. Allele origin: germline.
Comment: This sequence change replaces cysteine, which is neutral and slightly polar, with serine, which is neutral and polar, at codon 85 of the PHEX protein (p.Cys85Ser). This variant is not present in population databases (gnomAD no frequency). This missense change has been observed in individual(s) with X-linked hypophosphatemia (PMID: 30682568). ClinVar contains an entry for this variant (Variation ID: 803739). Advanced modeling of protein sequence and biophysical properties (such as structural, functional, and spatial information, amino acid conservation, physicochemical variation, residue mobility, and thermodynamic stability) performed at Invitae indicates that this missense variant is expected to disrupt PHEX protein function with a positive predictive value of 95%. This variant disrupts the p.Cys85 amino acid residue in PHEX. Other variant(s) that disrupt this residue have been determined to be pathogenic (PMID: 9106524, 11502829). This suggests that this residue is clinically significant, and that variants that disrupt this residue are likely to be disease-causing. For these reasons, this variant has been classified as Pathogenic.

Mendelics
Classification: Likely pathogenic for Familial X-linked hypophosphatemic vitamin D refractory rickets. Last evaluated: 2019-05-28. Review status: criteria provided, single submitter. Criteria: Mendelics Assertion Criteria 2017. Collection method: clinical testing. Allele origin: unknown.

Department of Pediatric Endocrinology, Shriners Hospitals for Children - Mexico City
No classification provided. Condition: Childhood hypophosphatasia. Review status: no classification provided. Collection method: phenotyping only. Allele origin: germline. Inheritance: X-linked dominant inheritance. Affected: yes. Observed: 1 variant allele. Not counted in ClinVar's aggregate classification.

Literature cited by the submitters: PubMed 30682568 (cited by Labcorp Genetics (formerly Invitae), Labcorp); PubMed 9106524 (cited by Labcorp Genetics (formerly Invitae), Labcorp); PubMed 11502829 (cited by Labcorp Genetics (formerly Invitae), Labcorp).